The following is an entry in ClinVar:

NM_001113491.2(SEPTIN9):c.387G>C (p.Arg129=)

Gene: SEPTIN9 (septin 9; plus strand). Cytogenetic location: 17q25.3.
Variant type: single nucleotide variant.
Coding change: c.387G>C on transcript NM_001113491.2 (MANE Select); coding-DNA position 387, G replaced by C.
Protein change: p.Arg129=; no amino-acid change (arginine 129 retained).
Molecular consequence: synonymous variant. On other transcripts: 5 prime UTR variant (2).
Genome position (GRCh38, 1-based): chr17:77,402,369, G>C. VCF-style: chr17-77402369-G-C. GRCh37 (hg19) VCF-style: chr17-75398451-G-C.
Other names: c.-106G>C (NM_001113492.2, NM_001113494.1); c.366G>C, p.Arg122= (NM_001113493.2); c.330G>C, p.Arg110= (NM_001293695.2); c.333G>C, p.Arg111= (NM_006640.5).
Identifiers: ClinVar variation 3052734 (VCV003052734.5), dbSNP rs535799765, ClinGen allele CA8793194.

ClinVar aggregate classification (germline): Likely benign. Review status: criteria provided, multiple submitters, no conflicts (2 of 4 stars). 3 submissions from 3 submitters: Likely benign (2). 1 of the submissions does not count toward it. Last evaluated 2024-06-09.

Conditions:
SEPTIN9-related disorder. Also called: SEPTIN9-related condition.

Allele frequency attached by ClinVar (database versions not stated): ExAC 0.00001; gnomAD exomes 0.00001; TOPMed 0.00001; gnomAD 0.00002; 1000 Genomes Project 30x 0.00016; 1000 Genomes Project 0.00020.

Submissions (3):

Labcorp Genetics (formerly Invitae), Labcorp
Classification: Likely benign. Last evaluated: 2024-06-09. Review status: criteria provided, single submitter. Criteria: Invitae Variant Classification Sherloc (09022015). Collection method: clinical testing. Allele origin: germline.

Breakthrough Genomics
Classification: Likely benign. Review status: criteria provided, single submitter. Criteria: ACMG Guidelines, 2015. Collection method: not provided. Allele origin: germline. Inheritance: Autosomal dominant inheritance. Affected: yes.

PreventionGenetics, part of Exact Sciences
Classification: Likely benign for SEPTIN9-related condition. Last evaluated: 2019-08-15. Review status: no assertion criteria provided. Collection method: clinical testing. Allele origin: germline. Not counted in ClinVar's aggregate classification.
Comment: This variant is classified as likely benign based on ACMG/AMP sequence variant interpretation guidelines (Richards et al. 2015 PMID: 25741868, with internal and published modifications).